The following is an entry in ClinVar:

ClinVar aggregate classification (germline): Uncertain significance (1 of 4 stars; one submission).

Allele frequency attached by ClinVar (database versions not stated): gnomAD exomes below 0.00001; ExAC 0.00001.

Submission:

GeneDx
Classification: Uncertain significance. Last evaluated: 2025-09-28. Review status: criteria provided, single submitter. Criteria: GeneDx Variant Classification Process June 2021. Collection method: clinical testing. Allele origin: germline. Affected: yes.
Comment: Not observed at significant frequency in large population cohorts (gnomAD); In silico analysis supports that this missense variant has a deleterious effect on protein structure/function; Has not been previously published as pathogenic or benign to our knowledge; This variant is associated with the following publications: (PMID: 22696272)

NM_000393.5(COL5A2):c.1853G>A (p.Gly618Asp)

Gene: COL5A2 (collagen type V alpha 2 chain; minus strand). Cytogenetic location: 2q32.2.
Variant type: single nucleotide variant.
Coding change: c.1853G>A on transcript NM_000393.5 (MANE Select); coding-DNA position 1853, G replaced by A.
Protein change: p.Gly618Asp; replaces glycine 618 with aspartic acid.
Molecular consequence: missense variant.
Genome position (GRCh38, 1-based): chr2:189,063,188, C>T on the plus strand (G>A on the coding strand, the complement: COL5A2 is on the minus strand). VCF-style: chr2-189063188-C-T. GRCh37 (hg19) VCF-style: chr2-189927914-C-T.
Other names: p.G618D:GGC>GAC; short protein forms G618D.
Identifiers: ClinVar variation 213148 (VCV000213148.3), dbSNP rs751229175, ClinGen allele CA321483.